The following is an entry in ClinVar:

NM_001035.3(RYR2):c.506G>A (p.Arg169Gln)

Gene: RYR2 (ryanodine receptor 2; plus strand). Cytogenetic location: 1q43.
Variant type: single nucleotide variant.
Coding change: c.506G>A on transcript NM_001035.3 (MANE Select); coding-DNA position 506, G replaced by A.
Protein change: p.Arg169Gln; replaces arginine 169 with glutamine.
Molecular consequence: missense variant.
Genome position (GRCh38, 1-based): chr1:237,377,365, G>A. VCF-style: chr1-237377365-G-A. GRCh37 (hg19) VCF-style: chr1-237540665-G-A.
Other names: p.R169Q:CGA>CAA; short protein forms R169Q.
Identifiers: ClinVar variation 43801 (VCV000043801.22), dbSNP rs397516539, ClinGen allele CA009771.

ClinVar aggregate classification (germline): Pathogenic/Likely pathogenic. Review status: criteria provided, multiple submitters, no conflicts (2 of 4 stars). 7 submissions from 7 submitters: Pathogenic (6); Likely pathogenic (1). Last evaluated 2025-04-30.

Conditions:
Cardiovascular phenotype. Identifiers: MedGen CN230736.
Catecholaminergic polymorphic ventricular tachycardia 1. Also called: VENTRICULAR TACHYCARDIA, CATECHOLAMINERGIC POLYMORPHIC, 1, WITH OR WITHOUT ATRIAL DYSFUNCTION AND/OR DILATED CARDIOMYOPATHY; RYR2-Related Catecholaminergic Polymorphic Ventricular Tachycardia; VENTRICULAR TACHYCARDIA, STRESS-INDUCED POLYMORPHIC 1. Identifiers: Orphanet 3286, MedGen C1631597, MONDO:0011484, OMIM 604772.
Catecholaminergic polymorphic ventricular tachycardia (CVPT). Also called: Catecholamine-induced polymorphic ventricular tachycardia. Identifiers: Orphanet 3286, MedGen C5574922, MONDO:0017990.

Submissions (7):

3billion
Classification: Pathogenic for Catecholaminergic polymorphic ventricular tachycardia 1. Last evaluated: 2025-04-30. Review status: criteria provided, single submitter. Criteria: ACMG Guidelines, 2015. Collection method: clinical testing. Allele origin: germline. Affected: yes.

Labcorp Genetics (formerly Invitae), Labcorp
Classification: Pathogenic for Catecholaminergic polymorphic ventricular tachycardia 1. Last evaluated: 2023-06-18. Review status: criteria provided, single submitter. Criteria: Invitae Variant Classification Sherloc (09022015). Collection method: clinical testing. Allele origin: germline.
Comment: For these reasons, this variant has been classified as Pathogenic. Advanced modeling of protein sequence and biophysical properties (such as structural, functional, and spatial information, amino acid conservation, physicochemical variation, residue mobility, and thermodynamic stability) performed at Invitae indicates that this missense variant is expected to disrupt RYR2 protein function. ClinVar contains an entry for this variant (Variation ID: 43801). This missense change has been observed in individual(s) with catecholaminergic polymorphic ventricular tachycardia (PMID: 16517285, 23595086, 26114861). In at least one individual the variant was observed to be de novo. This variant is not present in population databases (gnomAD no frequency). This sequence change replaces arginine, which is basic and polar, with glutamine, which is neutral and polar, at codon 169 of the RYR2 protein (p.Arg169Gln).

Victorian Clinical Genetics Services, Murdoch Childrens Research Institute
Classification: Pathogenic for Catecholaminergic polymorphic ventricular tachycardia 1. Last evaluated: 2022-02-02. Review status: criteria provided, single submitter. Criteria: ACMG Guidelines, 2015. Collection method: clinical testing. Allele origin: germline. Inheritance: Autosomal dominant inheritance. Affected: yes.
Comment: Based on the classification scheme VCGS_Germline_v1.3.4, this variant is classified as Pathogenic. Following criteria are met: 0103 - Dominant negative and gain of function are known mechanisms of disease in this gene and are associated with catecholaminergic polymorphic ventricular tachycardia 1 (MIM#604772) and left ventricular non-compaction (PMID: 12459180, 27646203, 29477366, 31875585, 33500567). (I) 0107 - This gene is associated with autosomal dominant disease. (I) 0112 - The condition associated with this gene has incomplete penetrance. Penetrance for CPVT is estimated to be 60-70% (PMID: 23549275). (I) 0200 - Variant is predicted to result in a missense amino acid change from arginine to glutamine. (I) 0251 - This variant is heterozygous. (I) 0301 - Variant is absent from gnomAD (both v2 and v3). (SP) 0501 - Missense variant consistently predicted to be damaging by multiple in silico tools or highly conserved with a major amino acid change. (SP) 0602 - Variant is located in a hotspot region or cluster of pathogenic variants (DECIPHER). (SP) 0704 - Another missense variant comparable to the one identified in this case has limited previous evidence for pathogenicity. The variant p.(Arg169Leu) has been reported pathogenic in ClinVar, and de novo in a patient with CPVT (PMID: 26114861). (SP) 0801 - This variant has strong previous evidence of pathogenicity in unrelated individuals. This variant is multiply reported pathogenic in ClinVar and the literature in individuals with CPVT or LVNC with atypical CPVT, several of whom were de novo (PMID: 16517285, 23595086, 26114861, 29453246, 31875585). (SP) 1002 - This variant has moderate functional evidence supporting abnormal protein function. This variant has been found to result in reduced threshold for overload-induced Ca2+ release from the sarcoplasmic reticulum and increased fractional Ca2+ release, by in vitro studies (PMID: 31875585). (SP) Legend: (SP) - Supporting pathogenic, (I) - Information, (SB) - Supporting benign

Institute of Medical Genetics and Applied Genomics, University Hospital Tübingen
Classification: Pathogenic. Last evaluated: 2021-06-17. Review status: criteria provided, single submitter. Criteria: ACMG Guidelines, 2015. Collection method: clinical testing. Allele origin: germline. Inheritance: Autosomal dominant inheritance. Affected: yes.

Ambry Genetics
Classification: Pathogenic for Cardiovascular phenotype. Last evaluated: 2019-01-04. Review status: criteria provided, single submitter. Criteria: Ambry Variant Classification Scheme 2023. Collection method: clinical testing. Allele origin: germline.
Comment: The p.R169Q pathogenic mutation (also known as c.506G>A), located in coding exon 8 of the RYR2 gene, results from a G to A substitution at nucleotide position 506. The arginine at codon 169 is replaced by glutamine, an amino acid with highly similar properties. This alteration has been detected in patients with suspected or reported catecholaminergic polymorphic ventricular tachycardia (CPVT), and has also been reported as occurring de novo in two pediatric cases from a CPVT cohort who experienced cardiac arrest (Hsueh CH et al. Int J Cardiol. 2006;108:276-8; Kawamura M et al. Circ J. 2013;77:1705-13; Ohno S. PLoS ONE. 2015;10(6):e0131517). Structural analyses have suggested that this alteration occurs in a variant clustering domain and may break ionic interactions (Lobo PA et al. Structure. 2009;17:1505-14; Amador FJ et al. Proc Natl Acad Sci. U.S.A. 2009;106:11040-4). Based on the supporting evidence, this alteration is interpreted as a disease-causing mutation.

GeneDx
Classification: Pathogenic. Last evaluated: 2014-12-12. Review status: criteria provided, single submitter. Criteria: GeneDx Variant Classification (06012015). Collection method: clinical testing. Allele origin: germline. Affected: yes.
Comment: p.Arg169Gln (CGA>CAA):c.506 G>A in exon 8 of the RYR2 gene (NM_001035.2). In addition, the NHLBI ESP Exome Variant Server reports Arg169Gln was not observed in approximately 6000 samples from individuals of European and African American backgrounds, indicating it is not a common benign variant in these populations. Arg169Gln resides in the N-terminal domain, one of three mutation hot spots, in the RYR2 gene (Medeiros-Domingo A et al., 2009). Structural studies indicate that Arg169Gln leads to destabilization of the beta8-beta9 loop in this region of the protein (Lobo P et al., 2009). Mutations in nearby codons (Pro164Ser, Arg176Gln) have been reported in association with polymorphic ventricular tachycardia and ARVD further supporting the functional importance of this region of the protein. In summary, Arg169Gln in the RYR2 gene is interpreted as a disease-causing mutation. Catecholaminergic Polymorphic Ventricular Tachycardia (CPVT) is characterized by syncope, typically beginning in the first decade of life, which may be triggered by physical activity or intense emotion. In patients with CPVT, stress-induced release of catecholamines causes a dysfunction of the calcium-ion channel in the myocytes (De La Fuente et al., 2008; Napolitano C et al., 2012; Priori S et al., 2002). CPVT is primarily caused by autosomal dominant mutations in the RYR2 and KCNJ2 genes. Less commonly, CPVT is caused by autosomal recessive mutations in the CASQ2 gene (Napolitano C et al., 2012). Approximately 50% of patients with autosomal dominant CPVT have been reported to have a mutation in the RYR2 gene (McNally E et al., 2009; Napolitano C et al., 2012). The variant is found in CPVT panel(s).

Laboratory for Molecular Medicine, Mass General Brigham Personalized Medicine
Classification: Likely pathogenic for Catecholaminergic polymorphic ventricular tachycardia. Last evaluated: 2013-08-27. Review status: criteria provided, single submitter. Criteria: LMM Criteria. Collection method: clinical testing. Allele origin: germline. Observed: 1 variant allele.
Comment: The Arg169Gln variant in RYR2 has been reported in 3 Asian individuals with CPVT , was reported to occur de novo in one of these individuals, and was absent from 200 control chromosomes (Hsueh 2006, Ge 2012, Kawamura 2013). Arginine (Arg) a t position 169 is highly conserved in mammals and across evolutionarily distant species and computational analyses (AlignGVGD, PolyPhen2, and SIFT) suggest that the Arg169Gln variant may impact the protein, which raises the possibility that a change at this position might not be tolerated. Additionally, this variant is located in a conserved domain of the RYR2 protein that may be critical for prot ein interactions and where other variants are clustered (Amador 2009, Lobo 2009) . In summary, this variant is likely to be pathogenic, though additional studies are required to fully establish its clinical significance.

Literature cited by the submitters: PubMed 16517285 (cited by 5 submitters); PubMed 26114861 (cited by 3 submitters); PubMed 23595086 (cited by 4 submitters); PubMed 12459180 (cited by Victorian Clinical Genetics Services, Murdoch Childrens Research Institute); PubMed 23549275 (cited by Victorian Clinical Genetics Services, Murdoch Childrens Research Institute); PubMed 27646203 (cited by Victorian Clinical Genetics Services, Murdoch Childrens Research Institute); PubMed 29453246 (cited by Victorian Clinical Genetics Services, Murdoch Childrens Research Institute); PubMed 29477366 (cited by Victorian Clinical Genetics Services, Murdoch Childrens Research Institute); PubMed 31875585 (cited by Victorian Clinical Genetics Services, Murdoch Childrens Research Institute); PubMed 33500567 (cited by Victorian Clinical Genetics Services, Murdoch Childrens Research Institute); PubMed 19541610 (cited by Ambry Genetics and Laboratory for Molecular Medicine, Mass General Brigham Personalized Medicine); PubMed 19913485 (cited by Ambry Genetics and Laboratory for Molecular Medicine, Mass General Brigham Personalized Medicine); PubMed 19926015 (cited by Laboratory for Molecular Medicine, Mass General Brigham Personalized Medicine); PubMed 20961976 (cited by Laboratory for Molecular Medicine, Mass General Brigham Personalized Medicine).